The following is an entry in ClinVar:

ClinVar aggregate classification (germline): Uncertain significance (1 of 4 stars; one submission).

Submission:

GeneDx
Classification: Uncertain significance. Last evaluated: 2022-05-17. Review status: criteria provided, single submitter. Criteria: GeneDx Variant Classification Process June 2021. Collection method: clinical testing. Allele origin: germline. Affected: yes.
Comment: Not observed at significant frequency in large population cohorts (gnomAD); In-frame deletion of 1 amino acids in a non-repeat region; In silico analysis supports a deleterious effect on protein structure/function; Has not been previously published as pathogenic or benign to our knowledge

NM_001378454.1(ALMS1):c.5099AGA[1] (p.Lys1701del)

Gene: ALMS1 (ALMS1 centrosome and basal body associated protein; plus strand). Cytogenetic location: 2p13.1.
Variant type: Microsatellite.
Coding change: c.5099AGA[1] on transcript NM_001378454.1 (MANE Select); one copy of the 3-base unit AGA starting at c.5099; the reference has two copies in a row; one copy, 3 bases deleted.
Protein change: p.Lys1701del; deletes lysine 1701.
Molecular consequence: inframe deletion.
Genome position (GRCh38, 1-based): chr2:73,451,629-73,451,631, AGA deleted; deleting any 3 consecutive bases within chr2:73,451,626-73,451,631 gives the same sequence; the position shown is the placement nearest the transcript's 3' end. VCF-style (leftmost placement, unchanged base first): chr2-73451625-CAGA-C. GRCh37 (hg19) VCF-style: chr2-73678752-CAGA-C.
Other names: c.5102AGA[1], p.Lys1702del (NM_015120.4); c.5105_5107del (NM_015120.4); short protein forms K1701del, K1702del.
Identifiers: ClinVar variation 1800696 (VCV001800696.1), dbSNP rs1671942155, ClinGen allele CA427021847.